The following is an entry in ClinVar:

NM_002900.3(RBP3):c.2347C>T (p.Arg783Cys)

Gene: RBP3 (retinol binding protein 3; plus strand). Cytogenetic location: 10q11.22.
Variant type: single nucleotide variant.
Coding change: c.2347C>T on transcript NM_002900.3 (MANE Select); coding-DNA position 2347, C replaced by T.
Protein change: p.Arg783Cys; replaces arginine 783 with cysteine.
Molecular consequence: missense variant.
Genome position (GRCh38, 1-based): chr10:47,350,831, C>T. VCF-style: chr10-47350831-C-T. GRCh37 (hg19) VCF-style: chr10-48388531-G-A.
Other names: short protein forms R783C.
Identifiers: ClinVar variation 4708256 (VCV004708256.2).

ClinVar aggregate classification (germline): Uncertain significance. Review status: criteria provided, multiple submitters, no conflicts (2 of 4 stars). 2 submissions from 2 submitters: Uncertain significance (2). Last evaluated 2025-08-22.

gnomAD v4.1: 77 of 1,612,922 alleles (0.0048%); highest among the groups gnomAD compares: South Asian, 0.02%; no homozygotes.

Submissions (2):

Labcorp Genetics (formerly Invitae), Labcorp
Classification: Uncertain significance. Last evaluated: 2025-08-22. Review status: criteria provided, single submitter. Criteria: Invitae Variant Classification Sherloc (09022015). Collection method: clinical testing. Allele origin: germline.
Comment: This sequence change replaces arginine, which is basic and polar, with cysteine, which is neutral and slightly polar, at codon 783 of the RBP3 protein (p.Arg783Cys). This variant is present in population databases (rs141164272, gnomAD 0.03%). This variant has not been reported in the literature in individuals affected with RBP3-related conditions. Invitae Evidence Modeling of protein sequence and biophysical properties (such as structural, functional, and spatial information, amino acid conservation, physicochemical variation, residue mobility, and thermodynamic stability) indicates that this missense variant is not expected to disrupt RBP3 protein function with a negative predictive value of 80%. In summary, the available evidence is currently insufficient to determine the role of this variant in disease. Therefore, it has been classified as a Variant of Uncertain Significance.

Blueprint Genetics
Classification: Uncertain significance. Last evaluated: 2024-05-14. Review status: criteria provided, single submitter. Criteria: ACMG Guidelines, 2015. Collection method: clinical testing. Allele origin: germline.